The following is an entry in ClinVar:

ClinVar aggregate classification (germline): Likely benign (1 of 4 stars; one submission).

gnomAD v4.1: 1 of 1,614,142 alleles (0.000062%); highest among the groups gnomAD compares: Non-Finnish European, 0.000085%; no homozygotes.

Submission:

CeGaT Center for Human Genetics Tuebingen
Classification: Likely benign. Last evaluated: 2022-10-01. Review status: criteria provided, single submitter. Criteria: CeGaT Center For Human Genetics Tuebingen Variant Classification Criteria Version 2. Collection method: clinical testing. Allele origin: germline. Affected: yes. Observed: 1 variant allele.
Comment: COL4A1: PM2:Supporting, BP4, BP7

NM_001845.6(COL4A1):c.2877T>C (p.Ile959=)

Gene: COL4A1 (collagen type IV alpha 1 chain; minus strand). Cytogenetic location: 13q34.
Variant type: single nucleotide variant.
Coding change: c.2877T>C on transcript NM_001845.6 (MANE Select); coding-DNA position 2877, T replaced by C.
Protein change: p.Ile959=; no amino-acid change (isoleucine 959 retained).
Molecular consequence: synonymous variant.
Genome position (GRCh38, 1-based): chr13:110,176,717, A>G on the plus strand (T>C on the coding strand, the complement: COL4A1 is on the minus strand). VCF-style: chr13-110176717-A-G. GRCh37 (hg19) VCF-style: chr13-110829064-A-G.
Identifiers: ClinVar variation 2643940 (VCV002643940.24), dbSNP rs2501776496, ClinGen allele CA484789698.
Genomic context (GRCh38, chr13:110,176,717, plus strand): 5'-CTTTCCAGGCACTCCTGGGGTCCCAGGGTCTCCTCGGGATCCCTTCTCACCAATTGGTCC[A>G]ATTTGTCCTACACATCAGAGAAGAAAATAGCAATGACCCGCATTTGCTTGCAAGCAAGTT-3'
Protein context (NP_001836.3, residues 949-969): QKGDQGEKGQ[Ile959=]GPIGEKGSRG